The following is an entry in ClinVar:

NM_138792.4(LEO1):c.1240T>C (p.Leu414=)

Gene: LEO1 (LEO1 homolog, Paf1/RNA polymerase II complex component; minus strand). Cytogenetic location: 15q21.2.
Variant type: single nucleotide variant.
Coding change: c.1240T>C on transcript NM_138792.4 (MANE Select); coding-DNA position 1240, T replaced by C.
Protein change: p.Leu414=; no amino-acid change (leucine 414 retained).
Molecular consequence: synonymous variant. On other transcripts: intron variant (1).
Genome position (GRCh38, 1-based): chr15:51,958,747, A>G on the plus strand (T>C on the coding strand, the complement: LEO1 is on the minus strand). VCF-style: chr15-51958747-A-G. GRCh37 (hg19) VCF-style: chr15-52250944-A-G.
Other names: c.1240T>C, p.Leu414= (NM_001323903.2, NM_001323904.2, NM_001426597.1 and 1 more transcripts); c.1160+1152T>C (NM_001286430.2).
Identifiers: ClinVar variation 3041459 (VCV003041459.2), dbSNP rs149451889, ClinGen allele CA7564514.
Genomic context (GRCh38, chr15:51,958,747, plus strand): 5'-TATCTCCAGGTTTTACTTTATAAAAGAAAAAAAAGGAAAAAGCATGAAATGGTACCTTTA[A>G]TTTTAACCTGGTTCTACCTTCTTCATCCAGCATTTCTTCATCTTCAAATTCATCTTCATA-3'
Protein context (NP_620147.1, residues 404-424): LDEEGRTRLK[Leu414=]KVENTIRWRI

ClinVar aggregate classification (germline): Benign (0 of 4 stars; one submission).

Conditions:
LEO1-related disorder. Also called: LEO1-related condition.

Allele frequency attached by ClinVar (database versions not stated): gnomAD exomes 0.00021; ExAC 0.00071; gnomAD 0.00248; TOPMed 0.00268; ESP Exome Variant Server 0.00293; 1000 Genomes Project 30x 0.00312; 1000 Genomes Project 0.00319.

Submission:

PreventionGenetics, part of Exact Sciences
Classification: Benign for LEO1-related condition. Last evaluated: 2019-05-20. Review status: no assertion criteria provided. Collection method: clinical testing. Allele origin: germline.
Comment: This variant is classified as benign based on ACMG/AMP sequence variant interpretation guidelines (Richards et al. 2015 PMID: 25741868, with internal and published modifications).